The following is an entry in ClinVar:

NM_000051.4(ATM):c.8874T>C (p.Phe2958=)

Genes: ATM (ATM serine/threonine kinase; plus strand), C11orf65 (chromosome 11 open reading frame 65; minus strand). Cytogenetic location: 11q22.3.
Variant type: single nucleotide variant.
Coding change: c.8874T>C on transcript NM_000051.4 (MANE Select); coding-DNA position 8874, T replaced by C.
Protein change: p.Phe2958=; no amino-acid change (phenylalanine 2958 retained).
Molecular consequence: synonymous variant. On other transcripts: intron variant (2).
Genome position (GRCh38, 1-based): chr11:108,365,105, T>C. VCF-style: chr11-108365105-T-C. GRCh37 (hg19) VCF-style: chr11-108235832-T-C.
Other names: c.8874T>C, p.Phe2958= (NM_001351834.2); c.640+20815A>G (NM_001330368.2); c.694+20815A>G (NM_001351110.2).
Identifiers: ClinVar variation 3254057 (VCV003254057.1), dbSNP rs2137873097.

ClinVar aggregate classification (germline): Benign (1 of 4 stars; one submission).

Conditions:
Familial cancer of breast. Also called: hereditary breast carcinoma; BREAST CANCER, FAMILIAL; Hereditary breast cancer. Identifiers: Orphanet 227535, MedGen C0346153, MONDO:0016419, OMIM 114480. Disease mechanism: loss of function.

Submission:

Myriad Genetics, Inc.
Classification: Benign for Familial cancer of breast. Last evaluated: 2024-06-21. Review status: criteria provided, single submitter. Criteria: Myriad Autosomal Dominant, Autosomal Recessive and X-Linked Classification Criteria (2023). Collection method: clinical testing. Allele origin: unknown.
Comment: This variant is considered benign. This variant is a silent/synonymous amino acid change and it is not expected to impact splicing.